The following is an entry in ClinVar:

NM_000500.9(CYP21A2):c.421G>A (p.Glu141Lys)

Genes: CYP21A2 (cytochrome P450 family 21 subfamily A member 2; plus strand), LOC106780800 (CYP21A2 recombination region; plus strand). Cytogenetic location: 6p21.33.
Variant type: single nucleotide variant.
Coding change: c.421G>A on transcript NM_000500.9 (MANE Select); coding-DNA position 421, G replaced by A.
Protein change: p.Glu141Lys; replaces glutamic acid 141 with lysine.
Molecular consequence: missense variant.
Genome position (GRCh38, 1-based): chr6:32,039,222, G>A. VCF-style: chr6-32039222-G-A. GRCh37 (hg19) VCF-style: chr6-32006999-G-A.
Other names: c.331G>A, p.Glu111Lys (NM_001128590.4); c.16G>A, p.Glu6Lys (NM_001368143.2, NM_001368144.2); short protein forms E111K, E141K, E6K.
Identifiers: ClinVar variation 988345 (VCV000988345.3), dbSNP rs774422392, ClinGen allele CA3732382.

ClinVar aggregate classification (germline): Conflicting classifications of pathogenicity. Review status: criteria provided, conflicting classifications (1 of 4 stars). 3 submissions from 3 submitters: Likely pathogenic (2); Uncertain significance (1). Last evaluated 2025-10-20.

Conditions:
CYP21A2-related disorder. Also called: CYP21A2-related condition.

Allele frequency attached by ClinVar (database versions not stated): ExAC 0.00002; gnomAD exomes below 0.00001.
gnomAD v4.1: 2 of 1,587,576 alleles (0.00013%); highest among the groups gnomAD compares: Non-Finnish European, 0.000086%; no homozygotes.

Submissions (3):

Women's Health and Genetics/Laboratory Corporation of America, LabCorp
Classification: Uncertain significance. Last evaluated: 2025-10-20. Review status: criteria provided, single submitter. Criteria: LabCorp Variant Classification Summary - May 2015. Collection method: clinical testing. Allele origin: germline.
Comment: Variant summary: CYP21A2 c.421G>A (p.Glu141Lys) results in a conservative amino acid change in the encoded protein sequence. Algorithms developed to predict the effect of missense changes on protein structure and function all suggest that this variant is likely to be tolerated. The variant allele was found at a frequency of 5e-06 in 200592 control chromosomes (gnomAD). c.421G>A has been observed in at least one individual affected with Congenital Adrenal Hyperplasia (Nermoen_2012, Brnstad_2014). These data do not allow any conclusion about variant significance. At least one publication reports experimental evidence evaluating an impact on protein function. The most pronounced variant effect results in 10%-<30% of normal activity (Brnstad_2014). The following publications have been ascertained in the context of this evaluation (PMID: 24671123, 22802425). ClinVar contains an entry for this variant (Variation ID: 988345). Based on the evidence outlined above, the variant was classified as VUS-possibly pathogenic.

Blueprint Genetics
Classification: Likely pathogenic for CYP21A2-related disorders. Last evaluated: 2022-04-05. Review status: criteria provided, single submitter. Criteria: ACMG Guidelines, 2015. Collection method: clinical testing. Allele origin: germline. Affected: yes. Observed: 3 variant alleles.

Clinical Genetics and Genomics, Karolinska University Hospital
Classification: Likely pathogenic. Last evaluated: 2014-07-18. Review status: criteria provided, single submitter. Criteria: ACMG Guidelines, 2015. Collection method: clinical testing. Allele origin: germline. Affected: yes. Observed: 1 variant allele.

Literature cited by the submitters: PubMed 24671123 (cited by Women's Health and Genetics/Laboratory Corporation of America, LabCorp); PubMed 22802425 (cited by Women's Health and Genetics/Laboratory Corporation of America, LabCorp).